The following is an entry in ClinVar:

NM_000455.5(STK11):c.393C>T (p.Tyr131=)

Gene: STK11 (serine/threonine kinase 11; plus strand). Cytogenetic location: 19p13.3.
Variant type: single nucleotide variant.
Coding change: c.393C>T on transcript NM_000455.5 (MANE Select); coding-DNA position 393, C replaced by T.
Protein change: p.Tyr131=; no amino-acid change (tyrosine 131 retained).
Molecular consequence: synonymous variant. On other transcripts: non-coding transcript variant (1).
Genome position (GRCh38, 1-based): chr19:1,219,342, C>T. VCF-style: chr19-1219342-C-T. GRCh37 (hg19) VCF-style: chr19-1219341-C-T.
Other names: c.393C>T, p.Tyr131= (NM_001407255.1).
Identifiers: ClinVar variation 2774536 (VCV002774536.8), dbSNP rs760399253, ClinGen allele CA047465.

ClinVar aggregate classification (germline): Benign/Likely benign. Review status: criteria provided, multiple submitters, no conflicts (2 of 4 stars). 4 submissions from 4 submitters: Benign (1); Likely benign (3). Last evaluated 2025-12-23.

Conditions:
Hereditary cancer-predisposing syndrome. Also called: Tumor predisposition; Hereditary Cancer Syndrome; Hereditary neoplastic syndrome; Neoplastic Syndromes, Hereditary. Identifiers: Orphanet 140162, MedGen C0027672, MeSH D009386, MONDO:0015356.
Peutz-Jeghers syndrome (PJS). Also called: POLYPOSIS, HAMARTOMATOUS INTESTINAL; POLYPS-AND-SPOTS SYNDROME; Peutz-Jeghers polyposis; Periorificial lentiginosis syndrome. Identifiers: Orphanet 2869, MedGen C0031269, MeSH D010580, MONDO:0008280, OMIM 175200.

Allele frequency attached by ClinVar (database versions not stated): ExAC 0.00002.

Submissions (4):

Ambry Genetics
Classification: Likely benign for Hereditary cancer-predisposing syndrome. Last evaluated: 2025-12-23. Review status: criteria provided, single submitter. Criteria: Ambry Variant Classification Scheme 2023. Collection method: clinical testing. Allele origin: germline.

Myriad Genetics, Inc.
Classification: Benign for Peutz-Jeghers syndrome. Last evaluated: 2025-03-25. Review status: criteria provided, single submitter. Criteria: Myriad Autosomal Dominant, Autosomal Recessive and X-Linked Classification Criteria (2023). Collection method: clinical testing. Allele origin: unknown.
Comment: This variant is considered benign. This variant is a silent/synonymous amino acid change and it is not expected to impact splicing.

Labcorp Genetics (formerly Invitae), Labcorp
Classification: Likely benign for Peutz-Jeghers syndrome. Last evaluated: 2023-12-11. Review status: criteria provided, single submitter. Criteria: Invitae Variant Classification Sherloc (09022015). Collection method: clinical testing. Allele origin: germline.

Color Diagnostics, LLC DBA Color Health
Classification: Likely benign for Hereditary cancer-predisposing syndrome. Last evaluated: 2022-01-02. Review status: criteria provided, single submitter. Criteria: ACMG Guidelines, 2015. Collection method: clinical testing. Allele origin: germline.